The following is an entry in ClinVar:

NM_003331.5(TYK2):c.2339C>T (p.Ala780Val)

Gene: TYK2 (tyrosine kinase 2; minus strand). Cytogenetic location: 19p13.2.
Variant type: single nucleotide variant.
Coding change: c.2339C>T on transcript NM_003331.5 (MANE Select); coding-DNA position 2339, C replaced by T.
Protein change: p.Ala780Val; replaces alanine 780 with valine.
Molecular consequence: missense variant.
Genome position (GRCh38, 1-based): chr19:10,357,891, G>A on the plus strand (C>T on the coding strand, the complement: TYK2 is on the minus strand). VCF-style: chr19-10357891-G-A. GRCh37 (hg19) VCF-style: chr19-10468567-G-A.
Other names: c.2339C>T, p.Ala780Val (NM_001385197.1, NM_001385198.1, NM_001385200.1 and 2 more transcripts); c.2153C>T, p.Ala718Val (NM_001385199.1); c.2141C>T, p.Ala714Val (NM_001385201.1); c.2255C>T, p.Ala752Val (NM_001385202.1); c.2249C>T, p.Ala750Val (NM_001385205.1); c.2213C>T, p.Ala738Val (NM_001385206.1); c.2321C>T, p.Ala774Val (NM_001385207.1); short protein forms A774V, A714V, A718V, A752V, A780V, A750V, A738V.
Identifiers: ClinVar variation 1493248 (VCV001493248.6), dbSNP rs1357157419, ClinGen allele CA403995924.

ClinVar aggregate classification (germline): Uncertain significance (1 of 4 stars; one submission).

Conditions:
Immunodeficiency 35 (IMD35). Also called: Susceptibility to infection due to TYK2 deficiency; TYK2 DEFICIENCY; HIES WITH ATYPICAL MYCOBACTERIOSIS, AUTOSOMAL RECESSIVE; HYPER-IgE SYNDROME WITH ATYPICAL MYCOBACTERIOSIS, AUTOSOMAL RECESSIVE. Identifiers: Orphanet 331226, MedGen C1969086, MONDO:0012682, OMIM 611521.

Allele frequency attached by ClinVar (database versions not stated): gnomAD exomes below 0.00001.
gnomAD v4.1: 1 of 1,613,486 alleles (0.000062%); highest among the groups gnomAD compares: South Asian, 0.0011%; no homozygotes.

Submission:

Labcorp Genetics (formerly Invitae), Labcorp
Classification: Uncertain significance for Immunodeficiency 35. Last evaluated: 2021-05-03. Review status: criteria provided, single submitter. Criteria: Invitae Variant Classification Sherloc (09022015). Collection method: clinical testing. Allele origin: germline.
Comment: This variant has not been reported in the literature in individuals with TYK2-related conditions. Algorithms developed to predict the effect of missense changes on protein structure and function are either unavailable or do not agree on the potential impact of this missense change (SIFT: "Not Available"; PolyPhen-2: "Probably Damaging"; Align-GVGD: "Not Available"). In summary, the available evidence is currently insufficient to determine the role of this variant in disease. Therefore, it has been classified as a Variant of Uncertain Significance. This variant is not present in population databases (ExAC no frequency). This sequence change replaces alanine with valine at codon 780 of the TYK2 protein (p.Ala780Val). The alanine residue is highly conserved and there is a small physicochemical difference between alanine and valine.